The following is an entry in ClinVar:

ClinVar aggregate classification (germline): Uncertain significance. Review status: criteria provided, multiple submitters, no conflicts (2 of 4 stars). 2 submissions from 2 submitters: Uncertain significance (2). Last evaluated 2023-08-07.

Conditions:
Spermatogenic failure 18. Identifiers: MedGen C4539783, MONDO:0054615, OMIM 617576.
Ciliary dyskinesia, primary, 37 (CILD37). Also called: CILIARY DYSKINESIA, PRIMARY, 37, WITH OR WITHOUT SITUS INVERSUS. Identifiers: MedGen C4539798, MONDO:0033204, OMIM 617577.

Allele frequency attached by ClinVar (database versions not stated): gnomAD 0.00003; TOPMed 0.00003; ExAC 0.00004.
gnomAD v4.1: 130 of 1,613,938 alleles (0.0081%); highest among the groups gnomAD compares: Non-Finnish European, 0.011%; no homozygotes.

Submissions (2):

Labcorp Genetics (formerly Invitae), Labcorp
Classification: Uncertain significance for Ciliary dyskinesia, primary, 37; Spermatogenic failure 18. Last evaluated: 2023-08-07. Review status: criteria provided, single submitter. Criteria: Invitae Variant Classification Sherloc (09022015). Collection method: clinical testing. Allele origin: germline.
Comment: This sequence change replaces threonine, which is neutral and polar, with isoleucine, which is neutral and non-polar, at codon 4193 of the DNAH1 protein (p.Thr4193Ile). This variant is present in population databases (rs780339805, gnomAD 0.008%). In summary, the available evidence is currently insufficient to determine the role of this variant in disease. Therefore, it has been classified as a Variant of Uncertain Significance. Advanced modeling of protein sequence and biophysical properties (such as structural, functional, and spatial information, amino acid conservation, physicochemical variation, residue mobility, and thermodynamic stability) performed at Invitae indicates that this missense variant is not expected to disrupt DNAH1 protein function. This variant has not been reported in the literature in individuals affected with DNAH1-related conditions.

Blueprint Genetics
Classification: Uncertain significance. Last evaluated: 2021-01-12. Review status: criteria provided, single submitter. Criteria: ACMG Guidelines, 2015. Collection method: clinical testing. Allele origin: germline.

NM_015512.5(DNAH1):c.12578C>T (p.Thr4193Ile)

Gene: DNAH1 (dynein axonemal heavy chain 1; plus strand). Cytogenetic location: 3p21.1.
Variant type: single nucleotide variant.
Coding change: c.12578C>T on transcript NM_015512.5 (MANE Select); coding-DNA position 12578, C replaced by T.
Protein change: p.Thr4193Ile; replaces threonine 4193 with isoleucine.
Molecular consequence: missense variant.
Genome position (GRCh38, 1-based): chr3:52,399,681, C>T. VCF-style: chr3-52399681-C-T. GRCh37 (hg19) VCF-style: chr3-52433697-C-T.
Other names: short protein forms T4193I.
Identifiers: ClinVar variation 2941932 (VCV002941932.2), dbSNP rs780339805, ClinGen allele CA2436511.